The following is an entry in ClinVar:

ClinVar aggregate classification (germline): Conflicting classifications of pathogenicity. Review status: criteria provided, conflicting classifications (1 of 4 stars). 3 submissions from 3 submitters: Uncertain significance (2); Likely benign (1). Last evaluated 2025-12-01.

Conditions:
Leukodystrophy, hypomyelinating, 8, with or without oligodontia and/or hypogonadotropic hypogonadism. Also called: Endosteal sclerosis-cerebellar hypoplasia syndrome; Hypomyelinating leukodystrophy 8 with or without oligodontia and-or hypogonadotropic hypogonadism; LEUKODYSTROPHY, HYPOMYELINATING, 8, WITH HYPODONTIA AND HYPOGONADOTROPIC HYPOGONADISM. Identifiers: Orphanet 85186, Orphanet 88637, MedGen C3280644, MONDO:0013722, OMIM 614381.

Allele frequency attached by ClinVar (database versions not stated): TOPMed 0.00007; ExAC 0.00004; ESP Exome Variant Server 0.00015; gnomAD exomes 0.00004; gnomAD 0.00006.
gnomAD v4.1: 202 of 1,602,398 alleles (0.013%); highest among the groups gnomAD compares: Non-Finnish European, 0.016%; no homozygotes.

Submissions (3):

CeGaT Center for Human Genetics Tuebingen
Classification: Uncertain significance. Last evaluated: 2025-12-01. Review status: criteria provided, single submitter. Criteria: CeGaT Center For Human Genetics Tuebingen Variant Classification Criteria Version 2. Collection method: clinical testing. Allele origin: germline. Affected: yes. Observed: 1 variant allele.
Comment: POLR3B: PM2, BP4

Blueprint Genetics
Classification: Likely benign. Last evaluated: 2024-01-23. Review status: criteria provided, single submitter. Criteria: ACMG Guidelines, 2015. Collection method: clinical testing. Allele origin: germline.

Illumina Laboratory Services, Illumina
Classification: Uncertain significance for Leukodystrophy, hypomyelinating, 8, with or without oligodontia and/or hypogonadotropic hypogonadism. Last evaluated: 2018-02-12. Review status: criteria provided, single submitter. Criteria: ICSL Variant Classification Criteria 13 December 2019. Collection method: clinical testing. Allele origin: germline.

NM_018082.6(POLR3B):c.106-3T>C

Gene: POLR3B (RNA polymerase III subunit B; plus strand). Cytogenetic location: 12q23.3.
Variant type: single nucleotide variant.
Coding change: c.106-3T>C on transcript NM_018082.6 (MANE Select); 3 bases into the intron before coding-DNA position 106, T replaced by C.
Molecular consequence: intron variant.
Genome position (GRCh38, 1-based): chr12:106,366,513, T>C. VCF-style: chr12-106366513-T-C. GRCh37 (hg19) VCF-style: chr12-106760291-T-C.
Other names: c.-69-3T>C (NM_001160708.2).
Identifiers: ClinVar variation 884047 (VCV000884047.10), dbSNP rs368216350, ClinGen allele CA6761603.